The following is an entry in ClinVar:

ClinVar aggregate classification (germline): Conflicting classifications of pathogenicity. Review status: criteria provided, conflicting classifications (1 of 4 stars). 2 submissions from 2 submitters: Uncertain significance (1); Likely benign (1). Last evaluated 2024-01-15.

Conditions:
Coffin-Siris syndrome 7. Identifiers: MedGen C4747954, MONDO:0054831, OMIM 618027.

Allele frequency attached by ClinVar (database versions not stated): gnomAD exomes below 0.00001; gnomAD 0.00001; TOPMed 0.00001.
gnomAD v4.1: 2 of 1,614,050 alleles (0.00012%); highest among the groups gnomAD compares: Admixed American, 0.0033%; no homozygotes.

Submissions (2):

Labcorp Genetics (formerly Invitae), Labcorp
Classification: Likely benign. Last evaluated: 2024-01-15. Review status: criteria provided, single submitter. Criteria: Invitae Variant Classification Sherloc (09022015). Collection method: clinical testing. Allele origin: germline.

Illumina Laboratory Services, Illumina
Classification: Uncertain significance for Coffin-Siris syndrome 7. Last evaluated: 2021-08-06. Review status: criteria provided, single submitter. Criteria: ICSLVariantClassificationCriteria RUGD 01 April 2020. Collection method: clinical testing. Allele origin: unknown.
Comment: The DPF2 c.886A>T (p.Ile296Phe) variant is a missense variant. A literature search was performed for the gene, cDNA change, and amino acid change. No publications were found based on this search. This variant is not found in the Genome Aggregation Database version 2.1.1 or version 3.1.1 in a region of good sequence coverage, so the variant is presumed to be rare. The p.Ile296Phe variant is located within the C-terminal PHD1 finger domain, which is an important functional domain (Vasileiou et al. 2018). Based on the limited evidence, the p.Ile296Phe variant is classified as a variant of uncertain significance for Coffin-Siris syndrome.

Literature cited by the submitters: PubMed 29429572 (cited by Illumina Laboratory Services, Illumina).

NM_006268.5(DPF2):c.844A>T (p.Ile282Phe)

Gene: DPF2 (double PHD fingers 2; plus strand). Cytogenetic location: 11q13.1.
Variant type: single nucleotide variant.
Coding change: c.844A>T on transcript NM_006268.5 (MANE Select); coding-DNA position 844, A replaced by T.
Protein change: p.Ile282Phe; replaces isoleucine 282 with phenylalanine.
Molecular consequence: missense variant.
Genome position (GRCh38, 1-based): chr11:65,345,998, A>T. VCF-style: chr11-65345998-A-T. GRCh37 (hg19) VCF-style: chr11-65113469-A-T.
Other names: c.886A>T, p.Ile296Phe (NM_001330308.2); short protein forms I282F, I296F.
Identifiers: ClinVar variation 1328135 (VCV001328135.7), dbSNP rs1854515495, ClinGen allele CA381254308.